The following is an entry in ClinVar:

ClinVar aggregate classification (germline): Likely pathogenic (1 of 4 stars; one submission).

Conditions:
TP63-Related Spectrum Disorders.

Submission:

Labcorp Genetics (formerly Invitae), Labcorp
Classification: Likely pathogenic. Last evaluated: 2022-08-22. Review status: criteria provided, single submitter. Criteria: Invitae Variant Classification Sherloc (09022015). Collection method: clinical testing. Allele origin: germline.
Comment: In summary, the currently available evidence indicates that the variant is pathogenic, but additional data are needed to prove that conclusively. Therefore, this variant has been classified as Likely Pathogenic. Algorithms developed to predict the effect of missense changes on protein structure and function are either unavailable or do not agree on the potential impact of this missense change (SIFT: "Deleterious"; PolyPhen-2: "Probably Damaging"; Align-GVGD: "Class C0"). This sequence change replaces cysteine, which is neutral and slightly polar, with phenylalanine, which is neutral and non-polar, at codon 244 of the TP63 protein (p.Cys244Phe). This variant is not present in population databases (gnomAD no frequency). This missense change has been observed in individual(s) with ectodermal dysplasia (Invitae). In at least one individual the variant was observed to be de novo.

NM_003722.5(TP63):c.731G>T (p.Cys244Phe)

Gene: TP63 (tumor protein p63; plus strand). Cytogenetic location: 3q28.
Variant type: single nucleotide variant.
Coding change: c.731G>T on transcript NM_003722.5 (MANE Select); coding-DNA position 731, G replaced by T.
Protein change: p.Cys244Phe; replaces cysteine 244 with phenylalanine.
Molecular consequence: missense variant.
Genome position (GRCh38, 1-based): chr3:189,864,383, G>T. VCF-style: chr3-189864383-G-T. GRCh37 (hg19) VCF-style: chr3-189582172-G-T.
Other names: c.731G>T, p.Cys244Phe (NM_001114978.2, NM_001114979.2, NM_001329144.2 and 1 more transcripts); c.449G>T, p.Cys150Phe (NM_001114980.2, NM_001114981.2, NM_001114982.2 and 2 more transcripts); c.194G>T, p.Cys65Phe (NM_001329146.2, NM_001329150.2); c.725G>T, p.Cys242Phe (NM_001329964.2); short protein forms C242F, C150F, C244F, C65F.
Identifiers: ClinVar variation 2019212 (VCV002019212.3), dbSNP rs2474590664, ClinGen allele CA355753744.
Genomic context (GRCh38, chr3:189,864,383, plus strand): 5'-TTATCCGCGCCATGCCTGTCTACAAAAAAGCTGAGCACGTCACGGAGGTGGTGAAGCGGT[G>T]CCCCAACCATGAGCTGAGCCGTGAATTCAACGAGGGTAAGCAGAATTTGAATCTCTAACT-3'
Protein context (NP_003713.3, residues 234-254): AEHVTEVVKR[Cys244Phe]PNHELSREFN